The following is an entry in ClinVar:

NM_000138.5(FBN1):c.4369G>A (p.Val1457Ile)

Gene: FBN1 (fibrillin 1; minus strand). Cytogenetic location: 15q21.1.
Variant type: single nucleotide variant.
Coding change: c.4369G>A on transcript NM_000138.5 (MANE Select); coding-DNA position 4369, G replaced by A.
Protein change: p.Val1457Ile; replaces valine 1457 with isoleucine.
Molecular consequence: missense variant.
Genome position (GRCh38, 1-based): chr15:48,470,724, C>T on the plus strand (G>A on the coding strand, the complement: FBN1 is on the minus strand). VCF-style: chr15-48470724-C-T. GRCh37 (hg19) VCF-style: chr15-48762921-C-T.
Other names: c.4369G>A, p.Val1457Ile (NM_001406716.1); short protein forms V1457I.
Identifiers: ClinVar variation 4793833 (VCV004793833.1).

ClinVar aggregate classification (germline): Uncertain significance (1 of 4 stars; one submission).

Conditions:
Marfan syndrome (MFS). Also called: FBN1-Related Marfan Syndrome; MARFAN SYNDROME, TYPE I; Marfan syndrome type 1; Marfan's syndrome; Marfan syndrome, classic. Identifiers: Orphanet 284963, Orphanet 558, MedGen C0024796, MONDO:0007947, OMIM 154700.
Familial thoracic aortic aneurysm and aortic dissection (TAAD). Also called: Thoracic aortic aneurysms and dissections. Identifiers: Orphanet 91387, MedGen C4707243, MONDO:0019625.

Submission:

Labcorp Genetics (formerly Invitae), Labcorp
Classification: Uncertain significance for Marfan syndrome; Familial thoracic aortic aneurysm and aortic dissection. Last evaluated: 2025-10-14. Review status: criteria provided, single submitter. Criteria: Invitae Variant Classification Sherloc (09022015). Collection method: clinical testing. Allele origin: germline.
Comment: This sequence change replaces valine, which is neutral and non-polar, with isoleucine, which is neutral and non-polar, at codon 1457 of the FBN1 protein (p.Val1457Ile). This variant is not present in population databases (gnomAD no frequency). This variant has not been reported in the literature in individuals affected with FBN1-related conditions. Invitae Evidence Modeling of protein sequence and biophysical properties (such as structural, functional, and spatial information, amino acid conservation, physicochemical variation, residue mobility, and thermodynamic stability) has been performed for this missense variant. However, the output from this modeling did not meet the statistical confidence thresholds required to predict the impact of this variant on FBN1 protein function. In summary, the available evidence is currently insufficient to determine the role of this variant in disease. Therefore, it has been classified as a Variant of Uncertain Significance.